The following is an entry in ClinVar:

NM_001267550.2(TTN):c.15388G>A (p.Val5130Met)

Gene: TTN (titin; minus strand). Cytogenetic location: 2q31.2.
Variant type: single nucleotide variant.
Coding change: c.15388G>A on transcript NM_001267550.2 (MANE Select); coding-DNA position 15388, G replaced by A.
Protein change: p.Val5130Met; replaces valine 5130 with methionine.
Molecular consequence: missense variant. On other transcripts: intron variant (3).
Genome position (GRCh38, 1-based): chr2:178,734,436, C>T on the plus strand (G>A on the coding strand, the complement: TTN is on the minus strand). VCF-style: chr2-178734436-C-T. GRCh37 (hg19) VCF-style: chr2-179599163-C-T.
Other names: c.14437G>A, p.Val4813Met (NM_001256850.1); c.11656G>A, p.Val3886Met (NM_133378.4); c.13282+3646G>A (NM_003319.4); c.13858+3646G>A (NM_133437.4); c.13657+3646G>A (NM_133432.3); short protein forms V4813M, V5130M, V3886M.
Identifiers: ClinVar variation 682486 (VCV000682486.6), dbSNP rs765530283, ClinGen allele CA2002234.

ClinVar aggregate classification (germline): Conflicting classifications of pathogenicity. Review status: criteria provided, conflicting classifications (1 of 4 stars). 3 submissions from 3 submitters: Uncertain significance (2); Likely benign (1). Last evaluated 2024-02-19.

Allele frequency attached by ClinVar (database versions not stated): ExAC 0.00001; gnomAD 0.00001 and 0.00002; gnomAD exomes 0.00001; TOPMed 0.00001.
gnomAD v4.1: 9 of 1,613,640 alleles (0.00056%); highest among the groups gnomAD compares: Admixed American, 0.0067%; no homozygotes.

Submissions (3):

Women's Health and Genetics/Laboratory Corporation of America, LabCorp
Classification: Uncertain significance. Last evaluated: 2024-02-19. Review status: criteria provided, single submitter. Criteria: LabCorp Variant Classification Summary - May 2015. Collection method: clinical testing. Allele origin: germline.
Comment: Variant summary: TTN c.11656G>A (p.Val3886Met) results in a conservative amino acid change located in the I-band region of the encoded protein sequence. Three of three in-silico tools predict a benign effect of the variant on protein function. The variant allele was found at a frequency of 8e-06 in 248556 control chromosomes. The available data on variant occurrences in the general population are insufficient to allow any conclusion about variant significance. To our knowledge, no occurrence of c.11656G>A in individuals affected with Limb-Girdle Muscular Dystrophy, Type 2J and no experimental evidence demonstrating its impact on protein function have been reported. ClinVar contains an entry for this variant (Variation ID: 682486). Based on the evidence outlined above, the variant was classified as uncertain significance.

Revvity Omics, Revvity
Classification: Uncertain significance. Last evaluated: 2019-11-13. Review status: criteria provided, single submitter. Criteria: ACMG Guidelines, 2015. Collection method: clinical testing. Allele origin: germline.

GeneDx
Classification: Likely benign. Last evaluated: 2018-05-03. Review status: criteria provided, single submitter. Criteria: GeneDx Variant Classification (06012015). Collection method: clinical testing. Allele origin: germline. Affected: yes.
Comment: This variant is considered likely benign or benign based on one or more of the following criteria: it is a conservative change, it occurs at a poorly conserved position in the protein, it is predicted to be benign by multiple in silico algorithms, and/or has population frequency not consistent with disease.